The following is an entry in ClinVar:

ClinVar aggregate classification (germline): Uncertain significance. Review status: criteria provided, multiple submitters, no conflicts (2 of 4 stars). 2 submissions from 2 submitters: Uncertain significance (2). Last evaluated 2025-08-25.

Conditions:
Inborn genetic diseases. Identifiers: MedGen C0950123, MeSH D030342.

Allele frequency attached by ClinVar (database versions not stated): ExAC 0.00002; gnomAD exomes 0.00003 and 0.00005; gnomAD 0.00006; TOPMed 0.00007; ESP Exome Variant Server 0.00008.
gnomAD v4.1: 57 of 1,613,692 alleles (0.0035%); highest among the groups gnomAD compares: East Asian, 0.0022%; no homozygotes.

Submissions (2):

Ambry Genetics
Classification: Uncertain significance for Inborn genetic diseases. Last evaluated: 2025-08-25. Review status: criteria provided, single submitter. Criteria: Ambry Variant Classification Scheme 2023. Collection method: clinical testing. Allele origin: germline.

Labcorp Genetics (formerly Invitae), Labcorp
Classification: Uncertain significance. Last evaluated: 2022-09-06. Review status: criteria provided, single submitter. Criteria: Invitae Variant Classification Sherloc (09022015). Collection method: clinical testing. Allele origin: germline.
Comment: In summary, the available evidence is currently insufficient to determine the role of this variant in disease. Therefore, it has been classified as a Variant of Uncertain Significance. Algorithms developed to predict the effect of missense changes on protein structure and function output the following: SIFT: "Not Available"; PolyPhen-2: "Benign"; Align-GVGD: "Not Available". The serine amino acid residue is found in multiple mammalian species, which suggests that this missense change does not adversely affect protein function. ClinVar contains an entry for this variant (Variation ID: 1682021). This variant has not been reported in the literature in individuals affected with ADSSL1-related conditions. This variant is present in population databases (rs199570234, gnomAD 0.1%). This sequence change replaces alanine, which is neutral and non-polar, with serine, which is neutral and polar, at codon 454 of the ADSSL1 protein (p.Ala454Ser).

NM_152328.5(ADSS1):c.1231G>T (p.Ala411Ser)

Gene: ADSS1 (adenylosuccinate synthase 1; plus strand). Cytogenetic location: 14q32.33.
Variant type: single nucleotide variant.
Coding change: c.1231G>T on transcript NM_152328.5 (MANE Select); coding-DNA position 1231, G replaced by T.
Protein change: p.Ala411Ser; replaces alanine 411 with serine.
Molecular consequence: missense variant.
Genome position (GRCh38, 1-based): chr14:104,746,295, G>T. VCF-style: chr14-104746295-G-T. GRCh37 (hg19) VCF-style: chr14-105212632-G-T.
Other names: c.616G>T, p.Ala206Ser (NM_001320424.1); c.1360G>T, p.Ala454Ser (NM_199165.2); c.1360G>T (NM_199165.1); short protein forms A206S, A411S, A454S.
Identifiers: ClinVar variation 1682021 (VCV001682021.5), dbSNP rs199570234, ClinGen allele CA7374068.